The following is an entry in ClinVar:

NM_002351.5(SH2D1A):c.167T>C (p.Val56Ala)

Gene: SH2D1A (SH2 domain containing 1A; plus strand). Cytogenetic location: Xq25.
Variant type: single nucleotide variant.
Coding change: c.167T>C on transcript NM_002351.5 (MANE Select); coding-DNA position 167, T replaced by C.
Protein change: p.Val56Ala; replaces valine 56 with alanine.
Molecular consequence: missense variant.
Genome position (GRCh38, 1-based): chrX:124,365,790, T>C. VCF-style: chrX-124365790-T-C. GRCh37 (hg19) VCF-style: chrX-123499640-T-C.
Other names: c.167T>C (NM_002351.4); c.167T>C, p.Val56Ala (NM_001114937.3); short protein forms V56A.
Identifiers: ClinVar variation 1695314 (VCV001695314.31), dbSNP rs2147531344, ClinGen allele CA414123538.

ClinVar aggregate classification (germline): Uncertain significance. Review status: criteria provided, multiple submitters, no conflicts (2 of 4 stars). 2 submissions from 2 submitters: Uncertain significance (2). Last evaluated 2023-01-09.

Conditions:
SH2D1A-related disorder. Also called: SH2D1A-related condition.

Submissions (2):

PreventionGenetics, part of Exact Sciences
Classification: Uncertain significance for SH2D1A-related condition. Last evaluated: 2023-01-09. Review status: criteria provided, single submitter. Criteria: ACMG Guidelines, 2015. Collection method: clinical testing. Allele origin: germline.
Comment: The SH2D1A c.167T>C variant is predicted to result in the amino acid substitution p.Val56Ala. To our knowledge, this variant has not been reported in the literature or in a large population database, indicating this variant is rare. At this time, the clinical significance of this variant is uncertain due to the absence of conclusive functional and genetic evidence.

CeGaT Center for Human Genetics Tuebingen
Classification: Uncertain significance. Last evaluated: 2022-04-01. Review status: criteria provided, single submitter. Criteria: CeGaT Center For Human Genetics Tuebingen Variant Classification Criteria Version 2. Collection method: clinical testing. Allele origin: germline. Affected: yes. Observed: 1 variant allele.
Comment: SH2D1A: PM2, PP2